The following is an entry in ClinVar:

NM_017575.5(SMG6):c.693C>T (p.Asp231=)

Gene: SMG6 (SMG6 nonsense mediated mRNA decay factor; minus strand). Cytogenetic location: 17p13.3.
Variant type: single nucleotide variant.
Coding change: c.693C>T on transcript NM_017575.5 (MANE Select); coding-DNA position 693, C replaced by T.
Protein change: p.Asp231=; no amino-acid change (aspartic acid 231 retained).
Molecular consequence: synonymous variant.
Genome position (GRCh38, 1-based): chr17:2,300,060, G>A on the plus strand (C>T on the coding strand, the complement: SMG6 is on the minus strand). VCF-style: chr17-2300060-G-A. GRCh37 (hg19) VCF-style: chr17-2203354-G-A.
Identifiers: ClinVar variation 2647216 (VCV002647216.24), dbSNP rs143965252, ClinGen allele CA8279154.

ClinVar aggregate classification (germline): Likely benign (1 of 4 stars; one submission).

Allele frequency attached by ClinVar (database versions not stated): 1000 Genomes Project 0.00040; 1000 Genomes Project 30x 0.00047; ExAC 0.00115; gnomAD exomes 0.00122; TOPMed 0.00142; gnomAD 0.00145; ESP Exome Variant Server 0.00169.
gnomAD v4.1: 1,966 of 1,614,188 alleles (0.12%); highest among the groups gnomAD compares: African/African-American, 0.23%; 3 homozygotes.

Submission:

CeGaT Center for Human Genetics Tuebingen
Classification: Likely benign. Last evaluated: 2023-05-01. Review status: criteria provided, single submitter. Criteria: CeGaT Center For Human Genetics Tuebingen Variant Classification Criteria Version 2. Collection method: clinical testing. Allele origin: germline. Affected: yes. Observed: 3 variant alleles.
Comment: SMG6: BP4, BP7